The following is an entry in ClinVar:

ClinVar aggregate classification (germline): Uncertain significance (1 of 4 stars; one submission).

gnomAD v4.1: 29 of 1,610,636 alleles (0.0018%); highest among the groups gnomAD compares: Middle Eastern, 0.12%; no homozygotes.

Submission:

Labcorp Genetics (formerly Invitae), Labcorp
Classification: Uncertain significance. Last evaluated: 2025-07-08. Review status: criteria provided, single submitter. Criteria: Invitae Variant Classification Sherloc (09022015). Collection method: clinical testing. Allele origin: germline.
Comment: This sequence change replaces valine, which is neutral and non-polar, with alanine, which is neutral and non-polar, at codon 193 of the ABCD3 protein (p.Val193Ala). This variant is present in population databases (rs532835950, gnomAD 0.01%). This variant has not been reported in the literature in individuals affected with ABCD3-related conditions. ClinVar contains an entry for this variant (Variation ID: 3604961). An algorithm developed to predict the effect of missense changes on protein structure and function (PolyPhen-2) suggests that this variant is likely to be disruptive. In summary, the available evidence is currently insufficient to determine the role of this variant in disease. Therefore, it has been classified as a Variant of Uncertain Significance.

NM_002858.4(ABCD3):c.578T>C (p.Val193Ala)

Gene: ABCD3 (ATP binding cassette subfamily D member 3; plus strand). Cytogenetic location: 1p21.3.
Variant type: single nucleotide variant.
Coding change: c.578T>C on transcript NM_002858.4 (MANE Select); coding-DNA position 578, T replaced by C.
Protein change: p.Val193Ala; replaces valine 193 with alanine.
Molecular consequence: missense variant.
Genome position (GRCh38, 1-based): chr1:94,475,688, T>C. VCF-style: chr1-94475688-T-C. GRCh37 (hg19) VCF-style: chr1-94941244-T-C.
Other names: c.578T>C, p.Val193Ala (NM_001122674.2); short protein forms V193A.
Identifiers: ClinVar variation 3604961 (VCV003604961.2).
Genomic context (GRCh38, chr1:94,475,688, plus strand): 5'-ATAAAATGGGGAATCTGGACAACAGAATAGCTAATCCAGACCAGCTGCTTACACAAGATG[T>C]AGAAAAATTTTGTAACAGTGTAGTCGATCTGTATTCAAATCTTAGTAAGGTAAGTTTCTC-3'
Protein context (NP_002849.1, residues 183-203): ANPDQLLTQD[Val193Ala]EKFCNSVVDL